The following is an entry in ClinVar:

NM_001292034.3(TAB2):c.1195C>T (p.Gln399Ter)

Genes: TAB2 (TGF-beta activated kinase 1 (MAP3K7) binding protein 2; plus strand), LOC126859827 (BRD4-independent group 4 enhancer GRCh37_chr6:149699707-149700906; plus strand). Cytogenetic location: 6q25.1.
Variant type: single nucleotide variant.
Coding change: c.1195C>T on transcript NM_001292034.3 (MANE Select); coding-DNA position 1195, C replaced by T.
Protein change: p.Gln399Ter; replaces glutamine 399 with a stop codon.
Molecular consequence: nonsense.
Genome position (GRCh38, 1-based): chr6:149,379,110, C>T. VCF-style: chr6-149379110-C-T. GRCh37 (hg19) VCF-style: chr6-149700246-C-T.
Other names: c.1099C>T, p.Gln367Ter (NM_001292035.3); c.1195C>T, p.Gln399Ter (NM_001369506.1, NM_015093.6); short protein forms Q399*, Q367*.
Identifiers: ClinVar variation 372837 (VCV000372837.1), dbSNP rs1057518015, ClinGen allele CA16042638.
Genomic context (GRCh38, chr6:149,379,110, plus strand): 5'-CTGATGTCCCGTAGTCAACCTAAGGTCTATATTTCAGCGAATGCTGCCACAGGAGATGAA[C>T]AGGTCATGCGGAATCAGCCCACACTCTTCATATCCACAAACTCTGGAGCATCTGCTGCCT-3'

ClinVar aggregate classification (germline): Likely pathogenic (1 of 4 stars; one submission).

Submission:

GeneDx
Classification: Likely pathogenic. Last evaluated: 2016-01-11. Review status: criteria provided, single submitter. Criteria: GeneDx Variant Classification (06012015). Collection method: clinical testing. Allele origin: germline. Affected: yes.
Comment: The Q399X variant in the TAB2 gene has not been reported previously as a pathogenic variant nor asa benign variant, to our knowledge. This variant is predicted to cause loss of normal protein functioneither through protein truncation or nonsense-mediated mRNA decay. The Q399X variant was notobserved in approximately 6500 individuals of European and African American ancestry in theNHLBI Exome Sequencing Project, indicating it is not a common benign variant in these populations.The Q399X variant is a strong candidate for a pathogenic variant, however the possibility it may be arare benign variant cannot be excluded.